The following is an entry in ClinVar:

ClinVar aggregate classification (germline): Pathogenic/Likely pathogenic. Review status: criteria provided, multiple submitters, no conflicts (2 of 4 stars). 2 submissions from 2 submitters: Pathogenic (1); Likely pathogenic (1). Last evaluated 2025-10-23.

Conditions:
Autosomal recessive polycystic kidney disease (ARPKD). Also called: AR polycystic kidney disease. Identifiers: Orphanet 731, Orphanet 8378, MedGen C0085548, MeSH D017044, MONDO:0009889.
Polycystic kidney disease 4 (PKD4). Also called: Autosomal Recessive Polycystic Kidney Disease – PKHD1; POLYCYSTIC KIDNEY AND HEPATIC DISEASE 1; POLYCYSTIC KIDNEY DISEASE, INFANTILE, TYPE I; POLYCYSTIC KIDNEY DISEASE 4 WITH OR WITHOUT POLYCYSTIC LIVER DISEASE; PKD3. Identifiers: MedGen C4540575, MONDO:0033004, OMIM 263200.

Submissions (2):

Natera, Inc.
Classification: Likely pathogenic for Autosomal recessive polycystic kidney disease. Last evaluated: 2025-10-23. Review status: criteria provided, single submitter. Criteria: Natera Variant Classification Schema (03/2026). Collection method: clinical testing. Allele origin: germline.
Comment: The c.5431_5440del variant in PKHD1 is a frameshift variant predicted to shift the reading frame beginning at codon 1811 and leads to a stop codon 8 codons downstream. This variant is expected to result in nonsense mediated decay, truncation, or a dysfunctional protein product. This variant is rare in the general population with a frequency below the threshold expected for the associated phenotype(s). Given the available evidence, this variant is classified as Likely Pathogenic.

Myriad Genetics, Inc.
Classification: Pathogenic for Polycystic kidney disease 4. Last evaluated: 2024-03-03. Review status: criteria provided, single submitter. Criteria: Myriad Autosomal Dominant, Autosomal Recessive and X-Linked Classification Criteria (2023). Collection method: clinical testing. Allele origin: unknown.
Comment: NM_138694.3(PKHD1):c.5431_5440del10(A1811Tfs*8) is expected to be pathogenic in the context of autosomal recessive polycystic kidney disease, PKHD1-related. This variant is predicted to lead to an abnormal or absent protein product due to the creation of a premature termination codon in PKHD1, a gene where loss-of-function variants are known to be pathogenic. Please note: this variant was assessed in the context of healthy population screening.

NM_138694.4(PKHD1):c.5431_5440del (p.Ala1811fs)

Gene: PKHD1 (PKHD1 ciliary IPT domain containing fibrocystin/polyductin; minus strand). Cytogenetic location: 6p12.2.
Variant type: Deletion.
Coding change: c.5431_5440del on transcript NM_138694.4 (MANE Select); coding-DNA positions 5431 to 5440, 10 bases deleted (GCTGCCAGAC; older notation c.5431_5440delGCTGCCAGAC).
Protein change: p.Ala1811fs; shifts the reading frame from alanine 1811.
Molecular consequence: frameshift variant.
Genome position (GRCh38, 1-based): chr6:52,017,570-52,017,579, GTCTGGCAGC deleted on the plus strand (GCTGCCAGAC on the coding strand, the reverse complement: PKHD1 is on the minus strand). VCF-style (leftmost placement, unchanged base first): chr6-52017569-TGTCTGGCAGC-T. GRCh37 (hg19) VCF-style: chr6-51882367-TGTCTGGCAGC-T.
Other names: c.5431_5440del, p.Ala1811fs (NM_170724.3); short protein forms A1811fs.
Identifiers: ClinVar variation 4816695 (VCV004816695.2).
Genomic context (GRCh38, chr6:52,017,569, plus strand): 5'-CACGATTCAAGCAGTTGCTCTGTCGCCATGGCAACTGTCAAATCACACTGCACATAGGTG[TGTCTGGCAGC>T]CTCACAGCTGTCCTCCTCACGCTTCAGGCCACACAGGAAGGCCAAGGACACTGCAGGAAA-3'